The following is an entry in ClinVar:

ClinVar aggregate classification (germline): Uncertain significance (1 of 4 stars; one submission).

Submission:

Ambry Genetics
Classification: Uncertain significance. Last evaluated: 2023-04-21. Review status: criteria provided, single submitter. Criteria: Ambry Variant Classification Scheme 2023. Collection method: clinical testing. Allele origin: germline.
Comment: The p.R1105G variant (also known as c.3313C>G), located in coding exon 19 of the PALLD gene, results from a C to G substitution at nucleotide position 3313. The arginine at codon 1105 is replaced by glycine, an amino acid with dissimilar properties. This amino acid position is conserved. In addition, this alteration is predicted to be tolerated by in silico analysis. Since supporting evidence is limited at this time, the clinical significance of this alteration remains unclear.

NM_001166108.2(PALLD):c.3364C>G (p.Arg1122Gly)

Genes: CBR4 (carbonyl reductase 4; minus strand), PALLD (palladin, cytoskeletal associated protein; plus strand). Cytogenetic location: 4q32.3.
Variant type: single nucleotide variant.
Coding change: c.3364C>G on transcript NM_001166108.2 (MANE Select); coding-DNA position 3364, C replaced by G.
Protein change: p.Arg1122Gly; replaces arginine 1122 with glycine.
Molecular consequence: missense variant. On other transcripts: intron variant (4).
Genome position (GRCh38, 1-based): chr4:168,925,238, C>G. VCF-style: chr4-168925238-C-G. GRCh37 (hg19) VCF-style: chr4-169846389-C-G.
Other names: c.1192C>G, p.Arg398Gly (NM_001367567.1); c.1243C>G, p.Arg415Gly (NM_001367570.1); c.3313C>G, p.Arg1105Gly (NM_016081.4); c.2161+160C>G (NM_001166109.2); c.1846+160C>G (NM_001166110.2); c.1237+160C>G (NM_001367568.1); c.1186+160C>G (NM_001367569.1); short protein forms R398G, R415G, R1105G, R1122G.
Identifiers: ClinVar variation 2563399 (VCV002563399.2), dbSNP rs145720372, ClinGen allele CA358714618.